The following is an entry in ClinVar:

NM_000535.7(PMS2):c.2461_2463dup (p.Ala821_Leu822insAla)

Gene: PMS2 (PMS1 homolog 2, mismatch repair system component; minus strand). Cytogenetic location: 7p22.1.
Variant type: Duplication.
Coding change: c.2461_2463dup on transcript NM_000535.7 (MANE Select); coding-DNA positions 2461 to 2463, 3 bases duplicated (GCT; older notation c.2461_2463dupGCT).
Protein change: p.Ala821_Leu822insAla.
Molecular consequence: inframe indel (on NM_000535.5). On other transcripts: non-coding transcript variant (1).
Genome position (GRCh38, 1-based): chr7:5,973,525-5,973,527, AGC duplicated on the plus strand (GCT on the coding strand, the reverse complement: PMS2 is on the minus strand); duplicating any 3 consecutive bases within chr7:5,973,525-5,973,529 gives the same sequence; the c. name uses the placement nearest the transcript's 3' end. VCF-style (leftmost placement, unchanged base first): chr7-5973524-G-GAGC. GRCh37 (hg19) VCF-style: chr7-6013155-G-GAGC.
Other names: c.2461_2463dupGCT (NM_000535.5); c.2056_2058dup, p.Ala686_Leu687insAla (NM_001322003.2, NM_001322004.2, NM_001322005.2 and 11 more transcripts); c.2305_2307dup, p.Ala769_Leu770insAla (NM_001322006.2); c.2143_2145dup, p.Ala715_Leu716insAla (NM_001322007.2, NM_001322008.2, NM_001406883.1); c.2089_2091dup, p.Ala697_Leu698insAla (NM_001322009.2, NM_001406887.1, NM_001406888.1); c.1900_1902dup, p.Ala634_Leu635insAla (NM_001322010.2, NM_001406906.1, NM_001406907.1); c.1528_1530dup, p.Ala510_Leu511insAla (NM_001322011.2, NM_001322012.2); c.1888_1890dup, p.Ala630_Leu631insAla (NM_001322013.2, NM_001406908.1, NM_001406909.1); and 21 more.
Identifiers: ClinVar variation 3935124 (VCV003935124.1).

ClinVar aggregate classification (germline): Uncertain significance (1 of 4 stars; one submission).

Conditions:
Hereditary cancer-predisposing syndrome. Also called: Tumor predisposition; Hereditary neoplastic syndrome; Hereditary Cancer Syndrome; Neoplastic Syndromes, Hereditary. Identifiers: Orphanet 140162, MedGen C0027672, MeSH D009386, MONDO:0015356.

Submission:

Ambry Genetics
Classification: Uncertain significance for Hereditary cancer-predisposing syndrome. Last evaluated: 2025-05-09. Review status: criteria provided, single submitter. Criteria: Ambry Variant Classification Scheme 2023. Collection method: clinical testing. Allele origin: germline.
Comment: The c.2461_2463dupGCT variant (also known as p.A821dup), located in coding exon 15 of the PMS2 gene, results from an in-frame duplication of GCT at nucleotide positions 2461 to 2463. This results in the duplication of an extra alanine residue between codons 821 and 822. This amino acid position is highly conserved in available vertebrate species. In addition, this variant is predicted to be deleterious by in silico analysis (Choi Y et al. PLoS ONE. 2012; 7(10):e46688). Based on the available evidence, the clinical significance of this variant remains unclear.